The following is an entry in ClinVar:

ClinVar aggregate classification (germline): Benign/Likely benign. Review status: criteria provided, multiple submitters, no conflicts (2 of 4 stars). 7 submissions from 7 submitters: Benign (1); Likely benign (4). 2 of the submissions do not count toward it. Last evaluated 2026-09-01.

Conditions:
Inborn genetic diseases. Identifiers: MedGen C0950123, MeSH D030342.
Joubert syndrome 25 (JBTS25). Identifiers: Orphanet 475, MedGen C4084842, MONDO:0014770, OMIM 616781.

Allele frequency attached by ClinVar (database versions not stated): 1000 Genomes Project 0.00100; gnomAD exomes 0.00106 and 0.00170; 1000 Genomes Project 30x 0.00109; ExAC 0.00109; gnomAD 0.00114 and 0.00115; TOPMed 0.00117; ESP Exome Variant Server 0.00185.

Submissions (7):

CeGaT Center for Human Genetics Tuebingen
Classification: Likely benign. Last evaluated: 2026-09-01. Review status: criteria provided, single submitter. Criteria: CeGaT Center For Human Genetics Tuebingen Variant Classification Criteria Version 2. Collection method: clinical testing. Allele origin: germline. Affected: yes. Observed: 4 variant alleles.
Comment: CEP104: BP4, BP7

Labcorp Genetics (formerly Invitae), Labcorp
Classification: Benign for Joubert syndrome 25. Last evaluated: 2026-01-26. Review status: criteria provided, single submitter. Criteria: Invitae Variant Classification Sherloc (09022015). Collection method: clinical testing. Allele origin: germline.

Ambry Genetics
Classification: Likely benign for Inborn genetic diseases. Last evaluated: 2025-08-02. Review status: criteria provided, single submitter. Criteria: Ambry Variant Classification Scheme 2023. Collection method: clinical testing. Allele origin: germline.

Blueprint Genetics
Classification: Likely benign. Last evaluated: 2024-11-22. Review status: criteria provided, single submitter. Criteria: ACMG Guidelines, 2015. Collection method: clinical testing. Allele origin: germline.

GeneDx
Classification: Likely benign. Last evaluated: 2020-09-19. Review status: criteria provided, single submitter. Criteria: GeneDx Variant Classification Process June 2021. Collection method: clinical testing. Allele origin: germline. Affected: yes.

Clinical Genetics DNA and cytogenetics Diagnostics Lab, Erasmus MC, Erasmus Medical Center
Classification: Likely benign. Review status: no assertion criteria provided. Collection method: clinical testing. Allele origin: germline. Affected: yes. Study: VKGL Data-share Consensus. Not counted in ClinVar's aggregate classification.

Genome Diagnostics Laboratory, University Medical Center Utrecht
Classification: Likely benign. Review status: no assertion criteria provided. Collection method: clinical testing. Allele origin: germline. Affected: yes. Study: VKGL Data-share Consensus. Not counted in ClinVar's aggregate classification.

NM_014704.4(CEP104):c.2736C>T (p.Gly912=)

Gene: CEP104 (centrosomal protein 104; minus strand). Cytogenetic location: 1p36.32.
Variant type: single nucleotide variant.
Coding change: c.2736C>T on transcript NM_014704.4 (MANE Select); coding-DNA position 2736, C replaced by T.
Protein change: p.Gly912=; no amino-acid change (glycine 912 retained).
Molecular consequence: synonymous variant.
Genome position (GRCh38, 1-based): chr1:3,815,444, G>A on the plus strand (C>T on the coding strand, the complement: CEP104 is on the minus strand). VCF-style: chr1-3815444-G-A. GRCh37 (hg19) VCF-style: chr1-3732008-G-A.
Identifiers: ClinVar variation 707534 (VCV000707534.24), dbSNP rs148360595, ClinGen allele CA551174.